The following is an entry in ClinVar:

ClinVar aggregate classification (germline): Conflicting classifications of pathogenicity. Review status: criteria provided, conflicting classifications (1 of 4 stars). 2 submissions from 2 submitters: Pathogenic (1); Uncertain significance (1). Last evaluated 2025-10-06.

Conditions:
Telangiectasia, hereditary hemorrhagic, type 2 (HHT2). Also called: ACVRL1-Related Hereditary Hemorrhagic Telangiectasia; Telangiectasia, hereditary hemorrhagic, type II. Identifiers: Orphanet 774, MedGen C1838163, MONDO:0010880, OMIM 600376. Disease mechanism: loss of function.

Submissions (2):

Mayo Clinic Laboratories, Mayo Clinic
Classification: Pathogenic. Last evaluated: 2025-10-06. Review status: criteria provided, single submitter. Criteria: ACMG Guidelines, 2015. Collection method: clinical testing. Allele origin: germline. Observed: 2 variant alleles.
Comment: PM2_supporting, PS1_supporting, PVS1

Juno Genomics, Hangzhou Juno Genomics, Inc
Classification: Uncertain significance for Telangiectasia, hereditary hemorrhagic, type 2. Review status: criteria provided, single submitter. Criteria: ACMG Guidelines, 2015. Collection method: clinical testing. Allele origin: germline. Affected: yes.
Comment: Absent from controls (or at extremely low frequency if recessive) in Genome Aggregation Database, Exome Sequencing Project, 1000 Genomes Project, or Exome Aggregation Consortium.;Null variant in a gene where loss of function (LOF) is a known mechanism of disease.

NM_000020.3(ACVRL1):c.772+1G>A

Gene: ACVRL1 (activin A receptor like type 1; plus strand). Cytogenetic location: 12q13.13.
Variant type: single nucleotide variant.
Coding change: c.772+1G>A on transcript NM_000020.3 (MANE Select); the canonical splice donor site of the intron after coding-DNA position 772, G replaced by A.
Molecular consequence: splice donor variant.
Genome position (GRCh38, 1-based): chr12:51,914,586, G>A. VCF-style: chr12-51914586-G-A. GRCh37 (hg19) VCF-style: chr12-52308370-G-A.
Other names: c.772+1G>A (NM_001406487.1, NM_001406488.1, NM_001077401.2 and 1 more transcripts); c.460+1G>A (NM_001406491.1, NM_001406490.1, NM_001406492.1 and 2 more transcripts); c.208+1G>A (NM_001406495.1).
Identifiers: ClinVar variation 4541714 (VCV004541714.2).